The following is an entry in ClinVar:

NM_004519.4(KCNQ3):c.2507G>A (p.Gly836Asp)

Gene: KCNQ3 (potassium voltage-gated channel subfamily Q member 3; minus strand). Cytogenetic location: 8q24.22.
Variant type: single nucleotide variant.
Coding change: c.2507G>A on transcript NM_004519.4 (MANE Select); coding-DNA position 2507, G replaced by A.
Protein change: p.Gly836Asp; replaces glycine 836 with aspartic acid.
Molecular consequence: missense variant.
Genome position (GRCh38, 1-based): chr8:132,129,374, C>T on the plus strand (G>A on the coding strand, the complement: KCNQ3 is on the minus strand). VCF-style: chr8-132129374-C-T. GRCh37 (hg19) VCF-style: chr8-133141621-C-T.
Other names: c.2147G>A, p.Gly716Asp (NM_001204824.2); short protein forms G716D, G836D.
Identifiers: ClinVar variation 835624 (VCV000835624.9), dbSNP rs894796810, ClinGen allele CA185430052.
Genomic context (GRCh38, chr8:132,129,374, plus strand): 5'-GTGGACGACAGAGGCATGGAGCCGCTGGGCGTGAAGGGGTCCGTGTCTGTGTCCGTCTCA[C>T]CCTCGGCGAGGTACCGCTTCTCCCTCATCCAGCTCGACCCCCCATTGGGGCCGAACACAT-3'
Protein context (NP_004510.1, residues 826-846): WMREKRYLAE[Gly836Asp]ETDTDTDPFT

ClinVar aggregate classification (germline): Uncertain significance (1 of 4 stars; one submission).

Conditions:
Benign neonatal seizures. Also called: Benign familial neonatal seizures; Benign neonatal familial convulsions; Benign familial neonatal epilepsy; Convulsions benign familial neonatal dominant form; Autosomal dominant form of benign neonatal seizures. Identifiers: Orphanet 1949, MedGen C0220669, MONDO:0016027.

Allele frequency attached by ClinVar (database versions not stated): TOPMed 0.00001.

Submission:

Labcorp Genetics (formerly Invitae), Labcorp
Classification: Uncertain significance for Benign neonatal seizures. Last evaluated: 2019-12-16. Review status: criteria provided, single submitter. Criteria: Invitae Variant Classification Sherloc (09022015). Collection method: clinical testing. Allele origin: germline.
Comment: In summary, the available evidence is currently insufficient to determine the role of this variant in disease. Therefore, it has been classified as a Variant of Uncertain Significance. Algorithms developed to predict the effect of missense changes on protein structure and function are either unavailable or do not agree on the potential impact of this missense change (SIFT: "Tolerated"; PolyPhen-2: "Probably Damaging"; Align-GVGD: "Class C0"). This variant has not been reported in the literature in individuals with KCNQ3-related conditions. This variant is not present in population databases (ExAC no frequency). This sequence change replaces glycine with aspartic acid at codon 836 of the KCNQ3 protein (p.Gly836Asp). The glycine residue is highly conserved and there is a moderate physicochemical difference between glycine and aspartic acid.